The following is an entry in ClinVar:

ClinVar aggregate classification (germline): Pathogenic (1 of 4 stars; one submission).

Submission:

Quest Diagnostics Nichols Institute San Juan Capistrano
Classification: Pathogenic. Last evaluated: 2024-02-21. Review status: criteria provided, single submitter. Criteria: ACMG/ClinGen CNV Guidelines, 2019. Collection method: clinical testing. Allele origin: unknown.
Comment: This loss involves two protein coding genes, including the first exon (NM_002890.3) of RASA1 (OMIM 139150). Haploinsufficiency of RASA1 is associated with autosomal dominant capillary malformation-arteriovenous malformation-1 (CMAVM1; OMIM 608354; Rehm 2015). Deletions involving the 5’ UTR and first exon were identified in individuals with capillary malformations and AVMs (Wooderchak-Donahue 2018). There are no similar copy number losses of this region in the general populations of the Database of Genomic Variants. Thus, this copy number variant (CNV) is classified as pathogenic. References: Gallipoli et al., Pediatrics. 2021 Mar;147(3):e2020011601. PMID: 33608416; Rehm et al., N Engl J Med. 2015 Jun 4;372(23):2235-42. PMID: 26014595; Wooderchak-Donahue et al., Eur J Hum Genet. 2018 Oct;26(10):1521-1536. PMID: 29891884

GRCh37/hg19 5q14.3(chr5:86011540-86616649)x1

Gene: RASA1 (RAS p21 protein activator 1; plus strand). Cytogenetic location: 5q14.3.
Variant type: copy number loss.
Change: copy number 1 (one copy instead of two) of chr5:86,011,540-86,616,649 (605.1 kb, GRCh37 coordinates, 1-based), cytogenetic band 5q14.3.
Identifiers: ClinVar variation 3391888 (VCV003391888.1).